The following is an entry in ClinVar:

NM_005677.4(COLQ):c.452C>T (p.Pro151Leu)

Gene: COLQ (collagen like tail subunit of asymmetric acetylcholinesterase; minus strand). Cytogenetic location: 3p25.1.
Variant type: single nucleotide variant.
Coding change: c.452C>T on transcript NM_005677.4 (MANE Select); coding-DNA position 452, C replaced by T.
Protein change: p.Pro151Leu; replaces proline 151 with leucine.
Molecular consequence: missense variant.
Genome position (GRCh38, 1-based): chr3:15,477,139, G>A on the plus strand (C>T on the coding strand, the complement: COLQ is on the minus strand). VCF-style: chr3-15477139-G-A. GRCh37 (hg19) VCF-style: chr3-15518646-G-A.
Other names: c.422C>T, p.Pro141Leu (NM_080538.2); c.350C>T, p.Pro117Leu (NM_080539.4); short protein forms P141L, P117L, P151L.
Identifiers: ClinVar variation 1030009 (VCV001030009.1), dbSNP rs2062392436, ClinGen allele CA351599259.

ClinVar aggregate classification (germline): Uncertain significance (1 of 4 stars; one submission).

Conditions:
Congenital myasthenic syndrome 5. Identifiers: Orphanet 590, MedGen C1864233, MONDO:0011281, OMIM 603034.

Allele frequency attached by ClinVar (database versions not stated): TOPMed below 0.00001.

Submission:

Baylor Genetics
Classification: Uncertain significance for Congenital myasthenic syndrome 5. Last evaluated: 2019-10-29. Review status: criteria provided, single submitter. Criteria: ACMG Guidelines, 2015. Collection method: clinical testing. Allele origin: unknown. Affected: yes.
Comment: This variant was determined to be of uncertain significance according to ACMG Guidelines, 2015 [PMID:25741868].